The following is an entry in ClinVar:

ClinVar aggregate classification (germline): Pathogenic (1 of 4 stars; one submission).

Submission:

Quest Diagnostics Nichols Institute San Juan Capistrano
Classification: Pathogenic. Last evaluated: 2024-07-05. Review status: criteria provided, single submitter. Criteria: ACMG/ClinGen CNV Guidelines, 2019. Collection method: clinical testing. Allele origin: unknown.
Comment: This terminal deletion of 11q24.3qter overlaps with the genomic region associated with Jacobsen syndrome (OMIM 147791) (Mattina 2009). Jacobsen syndrome is caused by deletion of multiple genes, however, patients with smaller deletions may exhibit a subset of the clinical phenotypes (Favier 2015, Ji 2010, Tassano 2016). Therefore, this copy number variant (CNV) is classified as pathogenic. References: Favier et al. Am J Med Genet C Semin Med Genet, 169C (2015), pp. 239-250. PMID: 26285164; Ji et al. J Hum Genet. 2010 Aug;55(8):486-9. PMID: 20520618 Mattina et al. Orphanet J Rare Dis. 2009 Mar 7;4:9.PMID: 19267933 Tassano et al. J Appl Genet. 2016 Aug;57(3):357-62. PMID: 27020790

GRCh37/hg19 11q23.3-25(chr11:120742540-134938470)x1

Genes: ACAD8 (acyl-CoA dehydrogenase family member 8; plus strand), ACRV1 (acrosomal vesicle protein 1; minus strand), ADAMTS15 (ADAM metallopeptidase with thrombospondin type 1 motif 15; plus strand), ADAMTS8 (ADAM metallopeptidase with thrombospondin type 1 motif 8; minus strand), APLP2 (amyloid beta precursor like protein 2; plus strand) and 105 more. Cytogenetic location: 11q23.3-25.
Variant type: copy number loss.
Change: copy number 1 (one copy instead of two) of chr11:120,742,540-134,938,470 (14.20 Mb, GRCh37 coordinates, 1-based), cytogenetic band 11q23.3-25.
Identifiers: ClinVar variation 815475 (VCV000815475.2).